The following is an entry in ClinVar:

NM_001308093.3(GATA4):c.34G>C (p.Gly12Arg)

Gene: GATA4 (GATA binding protein 4). Cytogenetic location: 8p23.1.
Variant type: single nucleotide variant.
Coding change: c.34G>C on transcript NM_001308093.3 (MANE Select); coding-DNA position 34, G replaced by C.
Protein change: p.Gly12Arg; replaces glycine 12 with arginine.
Molecular consequence: missense variant. On other transcripts: intron variant (3).
Genome position (GRCh38, 1-based): chr8:11,708,346, G>C. VCF-style: chr8-11708346-G-C. GRCh37 (hg19) VCF-style: chr8-11565855-G-C.
Other names: c.34G>C, p.Gly12Arg (NM_002052.5); c.-6+7568G>C (NM_001308094.2); c.-3+332G>C (NM_001374274.1); c.-3+4042G>C (NM_001374273.1); short protein forms G12R.
Identifiers: ClinVar variation 644697 (VCV000644697.27), dbSNP rs750597721, ClinGen allele CA4630591.

ClinVar aggregate classification (germline): Uncertain significance. Review status: criteria provided, multiple submitters, no conflicts (2 of 4 stars). 7 submissions from 7 submitters: Uncertain significance (5). 2 of the submissions do not count toward it. Last evaluated 2026-01-28.

Conditions:
Primary dilated cardiomyopathy (DCM). Also called: Dilated Cardiomyopathy. Identifiers: Orphanet 217604, MedGen C0007193, MeSH D002311, MONDO:0005021, HP:0001644. Inheritance: Various modes of inheritance.
Testicular anomalies with or without congenital heart disease (TACHD). Identifiers: Orphanet 251510, MedGen C3809858, MONDO:0014239, OMIM 615542.
Atrioventricular septal defect 4 (AVSD4). Identifiers: MedGen C3280781, MONDO:0013747, OMIM 614430.
Intellectual disability. Also called: Intellectual functioning disability; intellectual disabilities; Intellectual developmental disorder. Identifiers: MedGen C3714756, MeSH D008607, MONDO:0001071, HP:0001249.

Allele frequency attached by ClinVar (database versions not stated): ExAC 0.00002; TOPMed 0.00002; gnomAD 0.00003.
gnomAD v4.1: 52 of 1,583,776 alleles (0.0033%); highest among the groups gnomAD compares: Non-Finnish European, 0.0043%; no homozygotes.

Submissions (7):

Petrovsky National Research Centre of Surgery, The Federal Agency for Scientific Organizations
Classification: Uncertain significance for Primary dilated cardiomyopathy. Last evaluated: 2026-01-28. Review status: criteria provided, single submitter. Criteria: ACMG Guidelines, 2015. Collection method: clinical testing. Allele origin: germline. Affected: yes. Observed: 1 variant allele.
Comment: The variant is in The Genome Aggregation Database (gnomAD) v4.1.0 with total 3.283e-05. (Date of access 2026-01-28). In accordance with ACMG (2015) criteria this variant is classified as Uncertain significance with following criteria selected: PM2, PP3.

Labcorp Genetics (formerly Invitae), Labcorp
Classification: Uncertain significance for Atrioventricular septal defect 4. Last evaluated: 2025-11-21. Review status: criteria provided, single submitter. Criteria: Invitae Variant Classification Sherloc (09022015). Collection method: clinical testing. Allele origin: germline.
Comment: This sequence change replaces glycine, which is neutral and non-polar, with arginine, which is basic and polar, at codon 12 of the GATA4 protein (p.Gly12Arg). The frequency data for this variant in the population databases is considered unreliable, as metrics indicate poor data quality at this position in the gnomAD database. This variant has not been reported in the literature in individuals affected with GATA4-related conditions. ClinVar contains an entry for this variant (Variation ID: 644697). Invitae Evidence Modeling of protein sequence and biophysical properties (such as structural, functional, and spatial information, amino acid conservation, physicochemical variation, residue mobility, and thermodynamic stability) has been performed for this missense variant. However, the output from this modeling did not meet the statistical confidence thresholds required to predict the impact of this variant on GATA4 protein function. In summary, the available evidence is currently insufficient to determine the role of this variant in disease. Therefore, it has been classified as a Variant of Uncertain Significance.

CeGaT Center for Human Genetics Tuebingen
Classification: Uncertain significance. Last evaluated: 2025-05-01. Review status: criteria provided, single submitter. Criteria: CeGaT Center For Human Genetics Tuebingen Variant Classification Criteria Version 2. Collection method: clinical testing. Allele origin: germline. Affected: yes. Observed: 1 variant allele.
Comment: GATA4: PP3

GeneDx
Classification: Uncertain significance. Last evaluated: 2025-03-16. Review status: criteria provided, single submitter. Criteria: GeneDx Variant Classification Process June 2021. Collection method: clinical testing. Allele origin: germline. Affected: yes.
Comment: Reported in an individual with variations of sex characteristics who inherited the variant from the unaffected mother; both the proband and mother had normal echocardiograms (PMID: 35432193); Not observed at significant frequency in large population cohorts (gnomAD); In silico analysis supports that this missense variant has a deleterious effect on protein structure/function; This variant is associated with the following publications: (PMID: 35432193)

Breakthrough Genomics
Classification: Uncertain significance. Review status: criteria provided, single submitter. Criteria: ACMG Guidelines, 2015. Collection method: not provided. Allele origin: germline. Inheritance: Autosomal recessive inheritance. Affected: yes.

Institute of Molecular Biology and Genetics, National Academy of Sciences of Ukraine
Classification: Pathogenic for Testicular anomalies with or without congenital heart disease. Last evaluated: 2021-03-03. Review status: no assertion criteria provided. Collection method: clinical testing. Allele origin: maternal. Inheritance: Sex-limited autosomal dominant. Affected: yes. Observed: 1 variant allele, 1 heterozygote. Not counted in ClinVar's aggregate classification.

Centre de Biologie Pathologie Génétique, Centre Hospitalier Universitaire de Lille
Classification: Likely benign for Intellectual disability. Last evaluated: 2019-01-01. Review status: no assertion criteria provided. Collection method: clinical testing. Allele origin: inherited. Affected: yes. Not counted in ClinVar's aggregate classification.